The following is an entry in ClinVar:

NM_020949.3(SLC7A14):c.1679C>T (p.Ala560Val)

Genes: SLC7A14-AS1 (SLC7A14 antisense RNA 1; plus strand), SLC7A14 (solute carrier family 7 member 14; minus strand). Cytogenetic location: 3q26.2.
Variant type: single nucleotide variant.
Coding change: c.1679C>T on transcript NM_020949.3 (MANE Select); coding-DNA position 1679, C replaced by T.
Protein change: p.Ala560Val; replaces alanine 560 with valine.
Molecular consequence: missense variant.
Genome position (GRCh38, 1-based): chr3:170,480,603, G>A on the plus strand (C>T on the coding strand, the complement: SLC7A14 is on the minus strand). VCF-style: chr3-170480603-G-A. GRCh37 (hg19) VCF-style: chr3-170198392-G-A.
Other names: short protein forms A560V.
Identifiers: ClinVar variation 965751 (VCV000965751.6), dbSNP rs762904653, ClinGen allele CA2701585.
Genomic context (GRCh38, chr3:170,480,603, plus strand): 5'-CAGAAGATGAACATGAGGATGAAGAGCAGGAGCACGCAGATGGTCACCGTGTGCCCCGTC[G>A]CTGCTGTGGGCCGGTCCATTTTGCCTGGAAGGCCCAGCCGGATTCTCATGGTGTAATAAT-3'
Protein context (NP_066000.2, residues 550-570): LPGKMDRPTA[Ala560Val]TGHTVTICVL

ClinVar aggregate classification (germline): Uncertain significance (1 of 4 stars; one submission).

Allele frequency attached by ClinVar (database versions not stated): TOPMed 0.00003; ExAC 0.00004; gnomAD exomes 0.00010.
gnomAD v4.1: 148 of 1,614,094 alleles (0.0092%); highest among the groups gnomAD compares: Non-Finnish European, 0.012%; no homozygotes.

Submission:

Labcorp Genetics (formerly Invitae), Labcorp
Classification: Uncertain significance. Last evaluated: 2024-02-24. Review status: criteria provided, single submitter. Criteria: Invitae Variant Classification Sherloc (09022015). Collection method: clinical testing. Allele origin: germline.
Comment: This sequence change replaces alanine, which is neutral and non-polar, with valine, which is neutral and non-polar, at codon 560 of the SLC7A14 protein (p.Ala560Val). This variant is present in population databases (rs762904653, gnomAD 0.01%). This variant has not been reported in the literature in individuals affected with SLC7A14-related conditions. ClinVar contains an entry for this variant (Variation ID: 965751). An algorithm developed to predict the effect of missense changes on protein structure and function (PolyPhen-2) suggests that this variant¬†is likely to be tolerated. In summary, the available evidence is currently insufficient to determine the role of this variant in disease. Therefore, it has been classified as a Variant of Uncertain Significance.